The following is an entry in ClinVar:

ClinVar aggregate classification (germline): Uncertain significance. Review status: criteria provided, multiple submitters, no conflicts (2 of 4 stars). 2 submissions from 2 submitters: Uncertain significance (2). Last evaluated 2025-06-07.

Conditions:
Inborn genetic diseases. Identifiers: MedGen C0950123, MeSH D030342.
Congenital myasthenic syndrome 8. Also called: MYASTHENIC SYNDROME, CONGENITAL, DUE TO AGRIN DEFICIENCY; Myasthenic syndrome, congenital, 8, with pre- and postsynaptic defects. Identifiers: Orphanet 590, MedGen C3808739, MONDO:0014052, OMIM 615120.

Allele frequency attached by ClinVar (database versions not stated): gnomAD exomes 0.00001 and below 0.00001; TOPMed 0.00003; gnomAD 0.00004; ExAC 0.00001.
gnomAD v4.1: 22 of 1,601,756 alleles (0.0014%); highest among the groups gnomAD compares: Non-Finnish European, 0.0019%; no homozygotes.

Submissions (2):

Ambry Genetics
Classification: Uncertain significance for Inborn genetic diseases. Last evaluated: 2025-06-07. Review status: criteria provided, single submitter. Criteria: Ambry Variant Classification Scheme 2023. Collection method: clinical testing. Allele origin: germline.

Labcorp Genetics (formerly Invitae), Labcorp
Classification: Uncertain significance for Congenital myasthenic syndrome 8. Last evaluated: 2023-08-10. Review status: criteria provided, single submitter. Criteria: Invitae Variant Classification Sherloc (09022015). Collection method: clinical testing. Allele origin: germline.
Comment: An algorithm developed to predict the effect of missense changes on protein structure and function (PolyPhen-2) suggests that this variant is likely to be disruptive. ClinVar contains an entry for this variant (Variation ID: 942754). This variant has not been reported in the literature in individuals affected with AGRN-related conditions. The frequency data for this variant in the population databases is considered unreliable, as metrics indicate poor data quality at this position in the gnomAD database. This sequence change replaces threonine, which is neutral and polar, with serine, which is neutral and polar, at codon 573 of the AGRN protein (p.Thr573Ser). In summary, the available evidence is currently insufficient to determine the role of this variant in disease. Therefore, it has been classified as a Variant of Uncertain Significance.

NM_198576.4(AGRN):c.1717A>T (p.Thr573Ser)

Gene: AGRN (agrin; plus strand). Cytogenetic location: 1p36.33.
Variant type: single nucleotide variant.
Coding change: c.1717A>T on transcript NM_198576.4 (MANE Select); coding-DNA position 1717, A replaced by T.
Protein change: p.Thr573Ser; replaces threonine 573 with serine.
Molecular consequence: missense variant.
Genome position (GRCh38, 1-based): chr1:1,043,651, A>T. VCF-style: chr1-1043651-A-T. GRCh37 (hg19) VCF-style: chr1-979031-A-T.
Other names: c.1717A>T, p.Thr573Ser (NM_001305275.2); c.1402A>T, p.Thr468Ser (NM_001364727.2); short protein forms T468S, T573S.
Identifiers: ClinVar variation 942754 (VCV000942754.9), dbSNP rs751832415, ClinGen allele CA508303.
Genomic context (GRCh38, chr1:1,043,651, plus strand): 5'-TGCGTGTGCCCCTCTGAATGCGTGGCTTTGGCCCAGCCCGTGTGTGGCTCCGACGGGCAC[A>T]CGTACCCCAGCGAGTGCATGCTGCACGTGCACGCCTGCACACACCAGATCAGCCTGCACG-3'
Protein context (NP_940978.2, residues 563-583): AQPVCGSDGH[Thr573Ser]YPSECMLHVH